The following is an entry in ClinVar:

ClinVar aggregate classification (germline): Uncertain significance (1 of 4 stars; one submission).

Conditions:
Combined immunodeficiency due to DOCK8 deficiency (HIES2). Also called: HIES autosomal recessive; Hyper-IgE recurrent infection syndrome, autosomal recessive; HYPER-IgE SYNDROME 2, AUTOSOMAL RECESSIVE, WITH RECURRENT INFECTIONS; HYPER-IgE RECURRENT INFECTION SYNDROME 2, AUTOSOMAL RECESSIVE; DOCK8 Deficiency. Identifiers: Orphanet 217390, MedGen C4722305, MONDO:0009478, OMIM 243700.

Allele frequency attached by ClinVar (database versions not stated): gnomAD exomes below 0.00001.
gnomAD v4.1: 1 of 1,614,100 alleles (0.000062%); highest among the groups gnomAD compares: South Asian, 0.0011%; no homozygotes.

Submission:

Labcorp Genetics (formerly Invitae), Labcorp
Classification: Uncertain significance for Combined immunodeficiency due to DOCK8 deficiency. Last evaluated: 2022-07-05. Review status: criteria provided, single submitter. Criteria: Invitae Variant Classification Sherloc (09022015). Collection method: clinical testing. Allele origin: germline.
Comment: In summary, the available evidence is currently insufficient to determine the role of this variant in disease. Therefore, it has been classified as a Variant of Uncertain Significance. Algorithms developed to predict the effect of missense changes on protein structure and function are either unavailable or do not agree on the potential impact of this missense change (SIFT: "Tolerated"; PolyPhen-2: "Possibly Damaging"; Align-GVGD: "Class C0"). This variant has not been reported in the literature in individuals affected with DOCK8-related conditions. This variant is not present in population databases (gnomAD no frequency). This sequence change replaces proline, which is neutral and non-polar, with threonine, which is neutral and polar, at codon 608 of the DOCK8 protein (p.Pro608Thr).

NM_203447.4(DOCK8):c.1822C>A (p.Pro608Thr)

Gene: DOCK8 (dedicator of cytokinesis 8; plus strand). Cytogenetic location: 9p24.3.
Variant type: single nucleotide variant.
Coding change: c.1822C>A on transcript NM_203447.4 (MANE Select); coding-DNA position 1822, C replaced by A.
Protein change: p.Pro608Thr; replaces proline 608 with threonine.
Molecular consequence: missense variant.
Genome position (GRCh38, 1-based): chr9:370,254, C>A. VCF-style: chr9-370254-C-A. GRCh37 (hg19) VCF-style: chr9-370254-C-A.
Other names: c.1618C>A, p.Pro540Thr (NM_001190458.2, NM_001193536.2); short protein forms P540T, P608T.
Identifiers: ClinVar variation 2044064 (VCV002044064.4), dbSNP rs2538279936, ClinGen allele CA372760847.